The following is an entry in ClinVar:

NM_000138.5(FBN1):c.4460-9C>T

Gene: FBN1 (fibrillin 1; minus strand). Cytogenetic location: 15q21.1.
Variant type: single nucleotide variant.
Coding change: c.4460-9C>T on transcript NM_000138.5 (MANE Select); 9 bases into the intron before coding-DNA position 4460, C replaced by T.
Molecular consequence: intron variant.
Genome position (GRCh38, 1-based): chr15:48,468,543, G>A on the plus strand (C>T on the coding strand, the complement: FBN1 is on the minus strand). VCF-style: chr15-48468543-G-A. GRCh37 (hg19) VCF-style: chr15-48760740-G-A.
Identifiers: ClinVar variation 511473 (VCV000511473.11), dbSNP rs372753740, ClinGen allele CA053155.

ClinVar aggregate classification (germline): Likely benign. Review status: criteria provided, multiple submitters, no conflicts (2 of 4 stars). 4 submissions from 4 submitters: Likely benign (4). Last evaluated 2024-03-07.

Conditions:
Familial thoracic aortic aneurysm and aortic dissection (TAAD). Also called: Thoracic aortic aneurysms and dissections. Identifiers: Orphanet 91387, MedGen C4707243, MONDO:0019625.
Marfan syndrome (MFS). Also called: Marfan syndrome type 1; Marfan syndrome, classic; Marfan's syndrome; FBN1-Related Marfan Syndrome; MARFAN SYNDROME, TYPE I. Identifiers: Orphanet 284963, Orphanet 558, MedGen C0024796, MONDO:0007947, OMIM 154700.

Allele frequency attached by ClinVar (database versions not stated): TOPMed 0.00003; ESP Exome Variant Server 0.00008; gnomAD exomes 0.00001; ExAC 0.00001; gnomAD 0.00003.
gnomAD v4.1: 21 of 1,613,744 alleles (0.0013%); highest among the groups gnomAD compares: Admixed American, 0.005%; no homozygotes.

Submissions (4):

Labcorp Genetics (formerly Invitae), Labcorp
Classification: Likely benign for Marfan syndrome; Familial thoracic aortic aneurysm and aortic dissection. Last evaluated: 2024-03-07. Review status: criteria provided, single submitter. Criteria: Invitae Variant Classification Sherloc (09022015). Collection method: clinical testing. Allele origin: germline.

All of Us Research Program, National Institutes of Health
Classification: Likely benign for Marfan syndrome. Last evaluated: 2024-01-11. Review status: criteria provided, single submitter. Criteria: ACMG Guidelines, 2015. Collection method: clinical testing. Allele origin: germline. Inheritance: Autosomal dominant inheritance. Observed: 3 variant alleles, 3 heterozygotes.
Comment: This study involves interpretation of variants in research participants for the purpose of population health screening. Participant phenotype was not available at the time of variant classification. Additional details can be found in publication PMID: 35346344, PMCID: PMC8962531

Color Diagnostics, LLC DBA Color Health
Classification: Likely benign for Familial thoracic aortic aneurysm and aortic dissection. Last evaluated: 2022-01-04. Review status: criteria provided, single submitter. Criteria: ACMG Guidelines, 2015. Collection method: clinical testing. Allele origin: germline.

GeneDx
Classification: Likely benign. Last evaluated: 2017-08-15. Review status: criteria provided, single submitter. Criteria: GeneDx Variant Classification (06012015). Collection method: clinical testing. Allele origin: germline. Affected: yes.
Comment: This variant is considered likely benign or benign based on one or more of the following criteria: it is a conservative change, it occurs at a poorly conserved position in the protein, it is predicted to be benign by multiple in silico algorithms, and/or has population frequency not consistent with disease.